The following is an entry in ClinVar:

ClinVar aggregate classification (germline): Benign/Likely benign. Review status: criteria provided, multiple submitters, no conflicts (2 of 4 stars). 2 submissions from 2 submitters: Benign (1); Likely benign (1). Last evaluated 2024-12-06.

Conditions:
Hereditary cancer-predisposing syndrome. Also called: Neoplastic Syndromes, Hereditary; Tumor predisposition; Hereditary Cancer Syndrome; Hereditary neoplastic syndrome. Identifiers: Orphanet 140162, MedGen C0027672, MeSH D009386, MONDO:0015356.
Familial cancer of breast. Also called: hereditary breast carcinoma; Hereditary breast cancer; BREAST CANCER, FAMILIAL. Identifiers: Orphanet 227535, MedGen C0346153, MONDO:0016419, OMIM 114480. Disease mechanism: loss of function.

Submissions (2):

Ambry Genetics
Classification: Likely benign for Hereditary cancer-predisposing syndrome. Last evaluated: 2024-12-06. Review status: criteria provided, single submitter. Criteria: Ambry Variant Classification Scheme 2023. Collection method: clinical testing. Allele origin: germline.

Myriad Genetics, Inc.
Classification: Benign for Familial cancer of breast. Last evaluated: 2024-07-26. Review status: criteria provided, single submitter. Criteria: Myriad Autosomal Dominant, Autosomal Recessive and X-Linked Classification Criteria (2023). Collection method: clinical testing. Allele origin: unknown.
Comment: This variant is considered benign. This variant is a silent/synonymous amino acid change and it is not expected to impact splicing.

NM_000465.4(BARD1):c.1581T>G (p.Gly527=)

Gene: BARD1 (BRCA1 associated RING domain 1; minus strand). Cytogenetic location: 2q35.
Variant type: single nucleotide variant.
Coding change: c.1581T>G on transcript NM_000465.4 (MANE Select); coding-DNA position 1581, T replaced by G.
Protein change: p.Gly527=; no amino-acid change (glycine 527 retained).
Molecular consequence: synonymous variant. On other transcripts: non-coding transcript variant (3), intron variant (1).
Genome position (GRCh38, 1-based): chr2:214,752,543, A>C on the plus strand (T>G on the coding strand, the complement: BARD1 is on the minus strand). VCF-style: chr2-214752543-A-C. GRCh37 (hg19) VCF-style: chr2-215617267-A-C.
Other names: c.1524T>G, p.Gly508= (NM_001282543.2); c.228T>G, p.Gly76= (NM_001282545.2); c.171T>G, p.Gly57= (NM_001282548.2); c.365-22035T>G (NM_001282549.2); c.1581T>G (NM_000465.2).
Identifiers: ClinVar variation 3378543 (VCV003378543.2).
Genomic context (GRCh38, chr2:214,752,543, plus strand): 5'-CTCTGGTAGCAGCAATAGCGATTTCATACTTTCATCATCTGTATAATCGACAGGCCGCAG[A>C]CCAAATATATTACTGGTAAAATAAGTGCAGATGTGTTTAAGTAAGTCAAATGTGTGACTC-3'
Protein context (NP_000456.2, residues 517-537): GASRNAVNIF[Gly527=]LRPVDYTDDE